The following is an entry in ClinVar:

NM_001267550.2(TTN):c.59926+1G>A

Genes: TTN (titin; minus strand), TTN-AS1 (TTN antisense RNA 1; plus strand), LOC126806424 (CDK7 strongly-dependent group 2 enhancer GRCh37_chr2:179456337-179457536; plus strand). Cytogenetic location: 2q31.2.
Variant type: single nucleotide variant.
Coding change: c.59926+1G>A on transcript NM_001267550.2 (MANE Select); the canonical splice donor site of the intron after coding-DNA position 59926, G replaced by A.
Molecular consequence: splice donor variant.
Genome position (GRCh38, 1-based): chr2:178,591,977, C>T on the plus strand (G>A on the coding strand, the complement: TTN is on the minus strand). VCF-style: chr2-178591977-C-T. GRCh37 (hg19) VCF-style: chr2-179456704-C-T.
Other names: c.32731+1G>A (NM_003319.4); c.33307+1G>A (NM_133437.4); c.33106+1G>A (NM_133432.3); c.52222+1G>A (NM_133378.4); c.55003+1G>A (NM_001256850.1); c.59926+1G>A (NM_001267550.1).
Identifiers: ClinVar variation 574210 (VCV000574210.54), dbSNP rs553526525, ClinGen allele CA60970255.

ClinVar aggregate classification (germline): Pathogenic/Likely pathogenic. Review status: criteria provided, multiple submitters, no conflicts (2 of 4 stars). 12 submissions from 12 submitters: Pathogenic (5); Likely pathogenic (1). 6 of the submissions do not count toward it. Last evaluated 2026-09-01.

Conditions:
Cardiovascular phenotype. Identifiers: MedGen CN230736.
Dilated cardiomyopathy 1G (CMD1G). Identifiers: Orphanet 154, MedGen C1858763, MONDO:0011400, OMIM 604145.
Autosomal recessive limb-girdle muscular dystrophy type 2J (LGMDR10). Also called: Limb-girdle muscular dystrophy, type 2J; MUSCULAR DYSTROPHY, LIMB-GIRDLE, AUTOSOMAL RECESSIVE 10. Identifiers: Orphanet 140922, MedGen C1837342, MONDO:0012127, OMIM 608807.
TTN-related disorder. Also called: TTN-related condition; TTN-related disease; TTN-related disorders.
Cardiomyopathy (CMYO). Also called: Cardiomyopathies. Identifiers: Orphanet 167848, MedGen C0878544, MONDO:0004994, HP:0001638. Inheritance: Various modes of inheritance.

Allele frequency attached by ClinVar (database versions not stated): gnomAD exomes below 0.00001.
gnomAD v4.1: 5 of 1,611,280 alleles (0.00031%); highest among the groups gnomAD compares: South Asian, 0.0011%; no homozygotes.

Submissions (12):

CeGaT Center for Human Genetics Tuebingen
Classification: Pathogenic. Last evaluated: 2026-09-01. Review status: criteria provided, single submitter. Criteria: CeGaT Center For Human Genetics Tuebingen Variant Classification Criteria Version 2. Collection method: clinical testing. Allele origin: germline. Affected: yes. Observed: 4 variant alleles.
Comment: TTN: PVS1:Strong, PM1, PM2, PS4:Moderate

Labcorp Genetics (formerly Invitae), Labcorp
Classification: Pathogenic for Dilated cardiomyopathy 1G; Autosomal recessive limb-girdle muscular dystrophy type 2J. Last evaluated: 2025-12-23. Review status: criteria provided, single submitter. Criteria: Invitae Variant Classification Sherloc (09022015). Collection method: clinical testing. Allele origin: germline.
Comment: This sequence change affects a donor splice site in intron 302 of the TTN gene. It is expected to disrupt RNA splicing and likely results in a truncated or disrupted TTN protein. This variant is present in population databases (rs553526525, gnomAD 0.0009%). Disruption of this splice site has been observed in individual(s) with dilated cardiomyopathy (PMID: 22335739, 29057560). It has also been observed to segregate with disease in related individuals. This variant is also known as c.55003+1G>A. ClinVar contains an entry for this variant (Variation ID: 574210). Algorithms developed to predict the effect of sequence changes on RNA splicing suggest that this variant may disrupt the consensus splice site. This variant is located in the A band of TTN (PMID: 25589632). Truncating variants in this region are significantly overrepresented in patients affected with dilated cardiomyopathy (PMID: 25589632). Truncating variants in this region have also been reported in individuals affected with autosomal recessive centronuclear myopathy (PMID: 23975875). For these reasons, this variant has been classified as Pathogenic.

GeneDx
Classification: Pathogenic. Last evaluated: 2025-09-26. Review status: criteria provided, single submitter. Criteria: GeneDx Variant Classification Process June 2021. Collection method: clinical testing. Allele origin: germline. Affected: yes.
Comment: Not observed at significant frequency in large population cohorts (gnomAD); Canonical splice site variant predicted to result in an in-frame loss of the adjacent exon in a gene for which loss of function is a known mechanism of disease; Located in the A-band, a region of TTN for which truncating variants are significantly associated with autosomal dominant cardiomyopathy and also with autosomal recessive skeletal myopathies (PMID: 22335739, 32778822); This variant is associated with the following publications: (PMID: 29650543, 37183561, 30847666, 36344503, 31112426, 32964742, 31737537, 22335739, 34011823, 33662488, 32778822, 32880476, 39472908, 29057560)

Ambry Genetics
Classification: Likely pathogenic for Cardiovascular phenotype. Last evaluated: 2025-06-27. Review status: criteria provided, single submitter. Criteria: Ambry Variant Classification Scheme 2023. Collection method: clinical testing. Allele origin: germline.
Comment: The c.32731+1G>A intronic variant results from a G to A substitution one nucleotide after coding exon 129 of the TTN gene. Exon 129 is located in the A-band region of the N2-B isoform of the titin protein and is constitutively expressed in TTN transcripts (percent spliced in or PSI 100%). One study reported this variant (referred to as NM_001267550:c.59926+1G>A) as a potential Netherlands founder mutation, having been detected in 11 probands with dilated cardiomyopathy (DCM) and showing strong segregation with disease in families (Hoorntje ET et al. Eur J Heart Fail, 2018 Apr;20:803-806). This variant (also referred to as NM_001256850:c.55003+1G>A) has also been detected in additional unrelated probands from other DCM cohorts (Herman DS et al. N Engl J Med, 2012 Feb;366:619-28; Nguyen TV et al. Circ J, 2021 Aug;85:1469-1478). This variant is considered to be rare based on population cohorts in the Genome Aggregation Database (gnomAD). Alterations that disrupt the canonical splice site are expected to result in aberrant splicing. In silico splice site analysis predicts that this alteration will weaken the native splice donor site. The resulting transcript is predicted to be in-frame and is not expected to trigger nonsense-mediated mRNA decay; however, direct evidence is unavailable. The exact functional effect of the missing amino acids is unknown. This nucleotide position is highly conserved in available vertebrate species. Based on the majority of available evidence to date, this variant is likely to be pathogenic.

3billion
Classification: Pathogenic for Dilated cardiomyopathy 1G. Last evaluated: 2023-08-31. Review status: criteria provided, single submitter. Criteria: ACMG Guidelines, 2015. Collection method: clinical testing. Allele origin: germline. Affected: yes.
Comment: The variant is observed at an extremely low frequency in the gnomAD v2.1.1 dataset (total allele frequency: 0.000%). Predicted Consequence/Location: Canonical splice site: predicted to alter splicing and result in a loss or disruption of normal protein function. Multiple pathogenic loss-of-function variants are reported downstream of the variant. The variant has been reported at least twice as pathogenic with clinical assertions and evidence for the classification (ClinVar ID: VCV000574210). Therefore, this variant is classified as Pathogenic according to the recommendation of ACMG/AMP guideline.

CHEO Genetics Diagnostic Laboratory, Children's Hospital of Eastern Ontario
Classification: Pathogenic for Cardiomyopathy. Last evaluated: 2022-09-01. Review status: criteria provided, single submitter. Criteria: ACMG Guidelines, 2015. Collection method: clinical testing. Allele origin: germline.

PreventionGenetics, part of Exact Sciences
Classification: Pathogenic for TTN-related condition. Last evaluated: 2024-03-20. Review status: no assertion criteria provided. Collection method: clinical testing. Allele origin: germline. Not counted in ClinVar's aggregate classification.
Comment: The TTN c.59926+1G>A variant is predicted to disrupt the GT donor site and interfere with normal splicing. This variant was reported in numerous individuals with dilated cardiomyopathy (described as c.55003+1G>A in Table S4, Herman et al. 2012. PubMed ID: 22335739; described as c.52222+1G>A in online supplementary file 2, van Lint et al. 2019. PubMed ID: 30847666; Marschall et al. 2019. PubMed ID: 31737537; Table S2, Akhtar et al. 2020. PubMed ID: 32964742; Alimohamed et al. 2021. PubMed ID: 33662488). This variant is reported in 0.00090% of alleles in individuals of European (Non-Finnish) descent in gnomAD. This variant disrupts the splice donor site of an exon which is located in the A-band region of the protein and is predicted to result in an in-frame deletion of 100 amino acids. RNAseq studies from heart tissue indicate this exon is commonly included in TTN mRNA transcripts (PSI of 91%-100%); however, this analysis in muscle tissue was not performed (Roberts et al. 2015. PMID: 25589632). TTN truncating variants are reported in the heterozygous state in 1-2% of presumably healthy individuals and occur more frequently in exons with low PSI values, indicating this variant is more likely to be disease causing (Herman et al. 2012. PMID: 22335739; Roberts et al. 2015. PMID: 25589632). In summary, this variant is interpreted as pathogenic for both autosomal dominant and autosomal recessive TTN-related disorders.

Clinical Genetics, Academic Medical Center
Classification: Pathogenic. Review status: no assertion criteria provided. Collection method: clinical testing. Allele origin: germline. Affected: yes. Study: VKGL Data-share Consensus. Not counted in ClinVar's aggregate classification.

Diagnostic Laboratory, Department of Genetics, University Medical Center Groningen
Classification: Pathogenic. Review status: no assertion criteria provided. Collection method: clinical testing. Allele origin: germline. Affected: yes. Study: VKGL Data-share Consensus. Not counted in ClinVar's aggregate classification.

Genome Diagnostics Laboratory, University Medical Center Utrecht
Classification: Likely pathogenic. Review status: no assertion criteria provided. Collection method: clinical testing. Allele origin: germline. Affected: yes. Study: VKGL Data-share Consensus. Not counted in ClinVar's aggregate classification.

Joint Genome Diagnostic Labs from Nijmegen and Maastricht, Radboudumc and MUMC+
Classification: Pathogenic. Review status: no assertion criteria provided. Collection method: clinical testing. Allele origin: germline. Affected: yes. Study: VKGL Data-share Consensus. Not counted in ClinVar's aggregate classification.

KTest Genetics, KTest
Classification: Pathogenic for Dilated cardiomyopathy 1G. Review status: no assertion criteria provided. Criteria: ACMG Guidelines, 2015. Collection method: clinical testing. Allele origin: germline. Affected: yes. Not counted in ClinVar's aggregate classification.

Literature cited by the submitters: PubMed 22335739 (cited by Labcorp Genetics (formerly Invitae), Labcorp and Ambry Genetics); PubMed 29057560 (cited by Labcorp Genetics (formerly Invitae), Labcorp and Ambry Genetics); PubMed 25589632 (cited by Labcorp Genetics (formerly Invitae), Labcorp); PubMed 23975875 (cited by Labcorp Genetics (formerly Invitae), Labcorp); PubMed 34011823 (cited by Ambry Genetics).